The following is an entry in ClinVar:

NM_000443.4(ABCB4):c.130A>G (p.Thr44Ala)

Gene: ABCB4 (ATP binding cassette subfamily B member 4; minus strand). Cytogenetic location: 7q21.12.
Variant type: single nucleotide variant.
Coding change: c.130A>G on transcript NM_000443.4 (MANE Select); coding-DNA position 130, A replaced by G.
Protein change: p.Thr44Ala; replaces threonine 44 with alanine.
Molecular consequence: missense variant.
Genome position (GRCh38, 1-based): chr7:87,472,626, T>C on the plus strand (A>G on the coding strand, the complement: ABCB4 is on the minus strand). VCF-style: chr7-87472626-T-C. GRCh37 (hg19) VCF-style: chr7-87101942-T-C.
Other names: c.130A>G, p.Thr44Ala (NM_018849.3, NM_018850.3); short protein forms T44A.
Identifiers: ClinVar variation 4846637 (VCV004846637.1).

ClinVar aggregate classification (germline): Uncertain significance (1 of 4 stars; one submission).

Conditions:
Familial intrahepatic cholestasis. Identifiers: Orphanet 284385, MedGen CN296401, MONDO:0017290.
Low phospholipid associated cholelithiasis (GBD1). Also called: Gallbladder disease 1; Gallstone cholecystitis. Identifiers: Orphanet 69663, MedGen C2609268, MONDO:0010939, OMIM 600803.

gnomAD v4.1: 3 of 1,608,312 alleles (0.00019%); highest among the groups gnomAD compares: Non-Finnish European, 0.00026%; no homozygotes.

Submission:

Genomenon, Inc
Classification: Uncertain significance for Familial intrahepatic cholestasis; Low phospholipid associated cholelithiasis. Last evaluated: 2026-04-14. Review status: criteria provided, single submitter. Criteria: Genomenon Sequence Variant Interpretation Standards - Updated. Collection method: curation. Allele origin: germline. Affected: no.
Comment: ABCB4 p.Thr44Ala (c.130A>G) is a missense variant that changes the amino acid at residue 44 from Threonine to Alanine. To our knowledge, this variant has not been reported in patients affected with an ABCB4-related disorder in the published literature. Functional studies have been reported (PMID:24723470). It is absent or not present at a significant frequency in gnomAD. In silico models predict that this variant is not damaging. In conclusion, we classify ABCB4 p.Thr44Ala (c.130A>G) as a variant of uncertain significance.

Literature cited by the submitters: PubMed 24723470.